The following is an entry in ClinVar:

NM_003000.3(SDHB):c.25T>C (p.Leu9=)

Gene: SDHB (succinate dehydrogenase complex iron sulfur subunit B; minus strand). Cytogenetic location: 1p36.13.
Variant type: single nucleotide variant.
Coding change: c.25T>C on transcript NM_003000.3 (MANE Select); coding-DNA position 25, T replaced by C.
Protein change: p.Leu9=; no amino-acid change (leucine 9 retained).
Molecular consequence: synonymous variant.
Genome position (GRCh38, 1-based): chr1:17,053,995, A>G on the plus strand (T>C on the coding strand, the complement: SDHB is on the minus strand). VCF-style: chr1-17053995-A-G. GRCh37 (hg19) VCF-style: chr1-17380490-A-G.
Identifiers: ClinVar variation 753895 (VCV000753895.10), dbSNP rs1060503768, ClinGen allele CA416048773.

ClinVar aggregate classification (germline): Conflicting classifications of pathogenicity. Review status: criteria provided, conflicting classifications (1 of 4 stars). 3 submissions from 3 submitters: Uncertain significance (1); Likely benign (2). Last evaluated 2024-02-12.

Conditions:
Hereditary cancer-predisposing syndrome. Also called: Neoplastic Syndromes, Hereditary; Hereditary Cancer Syndrome; Hereditary neoplastic syndrome; Tumor predisposition. Identifiers: Orphanet 140162, MedGen C0027672, MeSH D009386, MONDO:0015356.
Gastrointestinal stromal tumor. Also called: Gastrointestinal stromal tumor, somatic; Gastrointestinal stroma tumor. Identifiers: Orphanet 44890, MedGen C0238198, MeSH D046152, MONDO:0011719, OMIM 606764, HP:0100723.
Pheochromocytoma/paraganglioma syndrome 4. Also called: SDHB-Related Hereditary Paraganglioma-Pheochromocytoma Syndrome (Paragangliomas 4); SDHB-Related Hereditary Paraganglioma-Pheochromocytoma Syndrome; CAROTID BODY TUMORS AND MULTIPLE EXTRAADRENAL PHEOCHROMOCYTOMAS; PARAGANGLIOMA, FAMILIAL MALIGNANT; PARAGANGLIOMAS, HEREDITARY EXTRAADRENAL; PHEOCHROMOCYTOMA, FAMILIAL EXTRAADRENAL. Identifiers: Orphanet 29072, MedGen C1861848, MONDO:0007273, OMIM 115310.
Pheochromocytoma. Also called: MAX-Related Hereditary Paraganglioma-Pheochromocytoma Syndrome. Identifiers: Orphanet 29072, MedGen C0031511, MONDO:0008233, OMIM 171300, HP:0002666.

Submissions (3):

Labcorp Genetics (formerly Invitae), Labcorp
Classification: Likely benign for Gastrointestinal stromal tumor; Pheochromocytoma/paraganglioma syndrome 4; Pheochromocytoma. Last evaluated: 2024-02-12. Review status: criteria provided, single submitter. Criteria: Invitae Variant Classification Sherloc (09022015). Collection method: clinical testing. Allele origin: germline.

Ambry Genetics
Classification: Likely benign for Hereditary cancer-predisposing syndrome. Last evaluated: 2022-09-26. Review status: criteria provided, single submitter. Criteria: Ambry Variant Classification Scheme 2023. Collection method: clinical testing. Allele origin: germline.

Sema4
Classification: Uncertain significance for Hereditary cancer-predisposing syndrome. Last evaluated: 2022-01-06. Review status: criteria provided, single submitter. Criteria: Sema4 Curation Guidelines. Collection method: curation. Allele origin: germline.
Comment: The SDHB c.25T>C (p.L9=) variant has not been reported in the literature to our knowledge. It was not observed in the large and broad cohorts of the Genome Aggregation Database (PMID: 32461654). This variant has been reported in ClinVar (Variation ID 753895). The nucleotide is moderately conserved and in silico tools that predict the effect of sequence changes on splicing suggest that this variant may not impact splicing, though these predictions have not been confirmed by functional studies. The evidence is insufficient to meet ACMG/AMP criteria for classifying the variant as benign or pathogenic. Thus, the clinical significance of this variant is currently uncertain.